The following is an entry in ClinVar:

ClinVar aggregate classification (germline): Pathogenic/Likely pathogenic. Review status: criteria provided, multiple submitters, no conflicts (2 of 4 stars). 2 submissions from 2 submitters: Pathogenic (1); Likely pathogenic (1). Last evaluated 2026-06-09.

Conditions:
Inborn genetic diseases. Identifiers: MedGen C0950123, MeSH D030342.
Spinal muscular atrophy, lower extremity-predominant, 2b, prenatal onset, autosomal dominant. Also called: Spinal muscular atrophy, lower extremity-predominant, 2B, autosomal dominant. Identifiers: MedGen C4749003, MONDO:0032660, OMIM 618291.

Submissions (2):

Victorian Clinical Genetics Services, Murdoch Childrens Research Institute
Classification: Pathogenic for Spinal muscular atrophy, lower extremity-predominant, 2b, prenatal onset, autosomal dominant. Last evaluated: 2026-06-09. Review status: criteria provided, single submitter. Criteria: ACMG Guidelines, 2015. Collection method: clinical testing. Allele origin: germline. Affected: yes.
Comment: This variant is classified as Pathogenic. Evidence in support of pathogenic classification: Variant is absent from gnomAD (v2, v3 and v4); This variant has limited previous evidence of pathogenicity in an unrelated individual(s). This variant has been classified as likely pathogenic by a clinical laboratory in ClinVar. - Other missense variant(s) comparable to the one identified in this case have very strong previous evidence for pathogenicity. p.(Arg694Cys) and p.(Arg694His) have been classified as likely pathogenic/pathogenic by clinical laboratories in ClinVar. These variants have also both been reported in the literature as de novo in individuals with BICD2-related features (PMIDs: 27751653, 33686258), and in an individual where de novo status could not be confirmed but was assumed (PMID: 28635954); Missense variant predicted to be damaging by in silico tool(s) or highly conserved with a major amino acid change; Additional information: Variant is predicted to result in a missense amino acid change from Arg to Gly; This variant is heterozygous; This gene is associated with autosomal dominant disease. - No published evidence of segregation with disease has been identified for this variant; No published functional evidence has been identified for this variant; Variant is located in the annotated BICD coiled coil domain (DECIPHER). - Loss of function is a known mechanism of disease in this gene and is associated with autosomal dominant spinal muscular atrophy, lower extremity-predominant, 2A (MIM#615290) and spinal muscular atrophy, lower extremity-predominant, 2B (MIM#618291); Variants in this gene are known to have variable expressivity (OMIM).

Ambry Genetics
Classification: Likely pathogenic for Inborn genetic diseases. Last evaluated: 2018-05-11. Review status: criteria provided, single submitter. Criteria: Ambry exome assertion method (8-5-2015). Collection method: clinical testing. Allele origin: germline. Affected: yes. Observed: 1 variant allele.

Literature cited by the submitters: PubMed 28635954 (cited by Victorian Clinical Genetics Services, Murdoch Childrens Research Institute); PubMed 33686258 (cited by Victorian Clinical Genetics Services, Murdoch Childrens Research Institute); PubMed 27751653 (cited by Victorian Clinical Genetics Services, Murdoch Childrens Research Institute and Ambry Genetics).

NM_001003800.2(BICD2):c.2080C>G (p.Arg694Gly)

Gene: BICD2 (BICD cargo adaptor 2; minus strand). Cytogenetic location: 9q22.31.
Variant type: single nucleotide variant.
Coding change: c.2080C>G on transcript NM_001003800.2 (MANE Select); coding-DNA position 2080, C replaced by G.
Protein change: p.Arg694Gly; replaces arginine 694 with glycine.
Molecular consequence: missense variant.
Genome position (GRCh38, 1-based): chr9:92,718,565, G>C on the plus strand (C>G on the coding strand, the complement: BICD2 is on the minus strand). VCF-style: chr9-92718565-G-C. GRCh37 (hg19) VCF-style: chr9-95480847-G-C.
Other names: c.2080C>G, p.Arg694Gly (NM_015250.4); short protein forms R694G.
Identifiers: ClinVar variation 985798 (VCV000985798.4), dbSNP rs797045412, ClinGen allele CA374033758.